The following is an entry in ClinVar:

NM_017763.6(RNF43):c.1840C>T (p.Gln614Ter)

Gene: RNF43 (ring finger protein 43; minus strand). Cytogenetic location: 17q22.
Variant type: single nucleotide variant.
Coding change: c.1840C>T on transcript NM_017763.6 (MANE Select); coding-DNA position 1840, C replaced by T.
Protein change: p.Gln614Ter; replaces glutamine 614 with a stop codon.
Molecular consequence: nonsense.
Genome position (GRCh38, 1-based): chr17:58,357,936, G>A on the plus strand (C>T on the coding strand, the complement: RNF43 is on the minus strand). VCF-style: chr17-58357936-G-A. GRCh37 (hg19) VCF-style: chr17-56435297-G-A.
Other names: c.1840C>T (NM_017763.4); c.1840C>T, p.Gln614Ter (NM_001305544.3, NM_001438820.1, NM_001438821.1 and 1 more transcripts); c.1459C>T, p.Gln487Ter (NM_001305545.2, NM_001437987.1); short protein forms Q487*, Q614*.
Identifiers: ClinVar variation 4812954 (VCV004812954.2).
Genomic context (GRCh38, chr17:58,357,936, plus strand): 5'-GGCAGATGCTGGAGGCGTCAACTGGGCCAGGGGCTGGCTCAGGGAGGGCCCTGGGGCACT[G>A]TGGGTTAGAGAGCCGCCCCGAAGGGGCTGCTGAGTTGGATCTGGTGACTTGCTGATCAGG-3'

ClinVar aggregate classification (germline): Conflicting classifications of pathogenicity. Review status: criteria provided, conflicting classifications (1 of 4 stars). 2 submissions from 2 submitters: Pathogenic (1); Uncertain significance (1). Last evaluated 2026-06-09.

Conditions:
Sessile serrated polyposis cancer syndrome (SSPCS). Identifiers: Orphanet 157798, MedGen C4310714, MONDO:0014919, OMIM 617108.

Submissions (2):

Ambry Genetics
Classification: Uncertain significance. Last evaluated: 2026-06-09. Review status: criteria provided, single submitter. Criteria: Ambry Variant Classification Scheme 2023. Collection method: clinical testing. Allele origin: germline.
Comment: The p.Q614* variant (also known as c.1840C>T), located in coding exon 8 of the RNF43 gene, results from a C to T substitution at nucleotide position 1840. This changes the amino acid from a glutamine to a stop codon within coding exon 8. The evidence for this gene-disease relationship is limited; therefore, the clinical significance of this variant is unclear.

Myriad Genetics, Inc.
Classification: Pathogenic for Sessile serrated polyposis cancer syndrome. Last evaluated: 2025-12-15. Review status: criteria provided, single submitter. Criteria: Myriad Autosomal Dominant, Autosomal Recessive and X-Linked Classification Criteria (2023). Collection method: clinical testing. Allele origin: unknown.
Comment: This variant is considered pathogenic. This variant creates a termination codon and is predicted to result in premature protein truncation.